The following is an entry in ClinVar:

ClinVar aggregate classification (germline): Uncertain significance (1 of 4 stars; one submission).

Submission:

Labcorp Genetics (formerly Invitae), Labcorp
Classification: Uncertain significance. Last evaluated: 2022-07-06. Review status: criteria provided, single submitter. Criteria: Invitae Variant Classification Sherloc (09022015). Collection method: clinical testing. Allele origin: germline.
Comment: In summary, the available evidence is currently insufficient to determine the role of this variant in disease. Therefore, it has been classified as a Variant of Uncertain Significance. This sequence change replaces valine, which is neutral and non-polar, with glutamic acid, which is acidic and polar, at codon 592 of the LONP1 protein (p.Val592Glu). This variant is not present in population databases (gnomAD no frequency). This variant has not been reported in the literature in individuals affected with LONP1-related conditions. Algorithms developed to predict the effect of missense changes on protein structure and function are either unavailable or do not agree on the potential impact of this missense change (SIFT: "Deleterious"; PolyPhen-2: "Probably Damaging"; Align-GVGD: "Class C0").

NM_004793.4(LONP1):c.1775T>A (p.Val592Glu)

Gene: LONP1 (lon peptidase 1, mitochondrial; minus strand). Cytogenetic location: 19p13.3.
Variant type: single nucleotide variant.
Coding change: c.1775T>A on transcript NM_004793.4 (MANE Select); coding-DNA position 1775, T replaced by A.
Protein change: p.Val592Glu; replaces valine 592 with glutamic acid.
Molecular consequence: missense variant. On other transcripts: non-coding transcript variant (1).
Genome position (GRCh38, 1-based): chr19:5,696,370, A>T on the plus strand (T>A on the coding strand, the complement: LONP1 is on the minus strand). VCF-style: chr19-5696370-A-T. GRCh37 (hg19) VCF-style: chr19-5696381-A-T.
Other names: c.1583T>A, p.Val528Glu (NM_001276479.2); c.1187T>A, p.Val396Glu (NM_001276480.1); short protein forms V528E, V592E, V396E.
Identifiers: ClinVar variation 2076707 (VCV002076707.4), dbSNP rs2512390353, ClinGen allele CA403529396.
Genomic context (GRCh38, chr19:5,696,370, plus strand): 5'-TCCAGCAGCTCCAGCAGTGCCGACGACGGGTCCCCCTGGTAGCCTCGGCCGATCTTGTCC[A>T]CCTGGGGCAGCAGACAGCAGGTGGTGCCCCTCGCCGTGCCCCTGGCCAGCCCGCCCAGTG-3'
Protein context (NP_004784.2, residues 582-602): TENPLILIDE[Val592Glu]DKIGRGYQGD